The following is an entry in ClinVar:

ClinVar aggregate classification (germline): Uncertain significance. Review status: criteria provided, multiple submitters, no conflicts (2 of 4 stars). 2 submissions from 2 submitters: Uncertain significance (2). Last evaluated 2025-05-13.

Conditions:
Hereditary nonpolyposis colorectal neoplasms. Identifiers: MedGen C0009405, MeSH D003123.
Hereditary cancer-predisposing syndrome. Also called: Tumor predisposition; Neoplastic Syndromes, Hereditary; Hereditary neoplastic syndrome; Hereditary Cancer Syndrome. Identifiers: Orphanet 140162, MedGen C0027672, MeSH D009386, MONDO:0015356.

Submissions (2):

Labcorp Genetics (formerly Invitae), Labcorp
Classification: Uncertain significance for Hereditary nonpolyposis colorectal neoplasms. Last evaluated: 2025-05-13. Review status: criteria provided, single submitter. Criteria: Invitae Variant Classification Sherloc (09022015). Collection method: clinical testing. Allele origin: germline.
Comment: This sequence change replaces serine, which is neutral and polar, with glycine, which is neutral and non-polar, at codon 158 of the PMS2 protein (p.Ser158Gly). This variant is not present in population databases (gnomAD no frequency). This variant has not been reported in the literature in individuals affected with PMS2-related conditions. ClinVar contains an entry for this variant (Variation ID: 1516710). Invitae Evidence Modeling incorporating data from in vitro experimental studies (internal data) indicates that this missense variant is not expected to disrupt PMS2 function with a negative predictive value of 95%. In summary, the available evidence is currently insufficient to determine the role of this variant in disease. Therefore, it has been classified as a Variant of Uncertain Significance.

Ambry Genetics
Classification: Uncertain significance for Hereditary cancer-predisposing syndrome. Last evaluated: 2020-08-24. Review status: criteria provided, single submitter. Criteria: Ambry Variant Classification Scheme 2023. Collection method: clinical testing. Allele origin: germline.
Comment: The p.S158G variant (also known as c.472A>G), located in coding exon 5 of the PMS2 gene, results from an A to G substitution at nucleotide position 472. The serine at codon 158 is replaced by glycine, an amino acid with similar properties. This amino acid position is well conserved in available vertebrate species. In addition, the in silico prediction for this alteration is inconclusive. Since supporting evidence is limited at this time, the clinical significance of this alteration remains unclear.

NM_000535.7(PMS2):c.472A>G (p.Ser158Gly)

Gene: PMS2 (PMS1 homolog 2, mismatch repair system component; minus strand). Cytogenetic location: 7p22.1.
Variant type: single nucleotide variant.
Coding change: c.472A>G on transcript NM_000535.7 (MANE Select); coding-DNA position 472, A replaced by G.
Protein change: p.Ser158Gly; replaces serine 158 with glycine.
Molecular consequence: missense variant. On other transcripts: 5 prime UTR variant (2), non-coding transcript variant (1).
Genome position (GRCh38, 1-based): chr7:6,002,518, T>C on the plus strand (A>G on the coding strand, the complement: PMS2 is on the minus strand). VCF-style: chr7-6002518-T-C. GRCh37 (hg19) VCF-style: chr7-6042149-T-C.
Other names: c.67A>G, p.Ser23Gly (NM_001322003.2, NM_001322004.2, NM_001322005.2 and 3 more transcripts); c.472A>G, p.Ser158Gly (NM_001322006.2, NM_001322014.2); c.154A>G, p.Ser52Gly (NM_001322007.2, NM_001322008.2); c.-413A>G (NM_001322011.2, NM_001322012.2); c.163A>G, p.Ser55Gly (NM_001322015.2); short protein forms S55G, S23G, S52G, S158G.
Identifiers: ClinVar variation 1516710 (VCV001516710.10), dbSNP rs1554303942, ClinGen allele CA366744285.